The following is an entry in ClinVar:

NM_014889.4(PITRM1):c.1682A>G (p.Lys561Arg)

Gene: PITRM1 (pitrilysin metallopeptidase 1; minus strand). Cytogenetic location: 10p15.2.
Variant type: single nucleotide variant.
Coding change: c.1682A>G on transcript NM_014889.4 (MANE Select); coding-DNA position 1682, A replaced by G.
Protein change: p.Lys561Arg; replaces lysine 561 with arginine.
Molecular consequence: missense variant. On other transcripts: non-coding transcript variant (4).
Genome position (GRCh38, 1-based): chr10:3,151,303, T>C on the plus strand (A>G on the coding strand, the complement: PITRM1 is on the minus strand). VCF-style: chr10-3151303-T-C. GRCh37 (hg19) VCF-style: chr10-3193495-T-C.
Other names: c.1682A>G, p.Lys561Arg (NM_001242307.2, NM_001347725.2); c.1586A>G, p.Lys529Arg (NM_001242309.1); c.1067A>G, p.Lys356Arg (NM_001347726.2, NM_001347727.2); c.377A>G, p.Lys126Arg (NM_001347728.2); c.1658A>G, p.Lys553Arg (NM_001347729.1, NM_001347730.1); short protein forms K553R, K561R, K126R, K356R, K529R.
Identifiers: ClinVar variation 4707321 (VCV004707321.1).

ClinVar aggregate classification (germline): Uncertain significance (1 of 4 stars; one submission).

gnomAD v4.1: 6 of 1,611,360 alleles (0.00037%); highest among the groups gnomAD compares: Non-Finnish European, 0.00042%; no homozygotes.

Submission:

Labcorp Genetics (formerly Invitae), Labcorp
Classification: Uncertain significance. Last evaluated: 2025-02-10. Review status: criteria provided, single submitter. Criteria: Invitae Variant Classification Sherloc (09022015). Collection method: clinical testing. Allele origin: germline.
Comment: This sequence change replaces lysine, which is basic and polar, with arginine, which is basic and polar, at codon 529 of the PITRM1 protein (p.Lys529Arg). This variant is not present in population databases (gnomAD no frequency). This variant has not been reported in the literature in individuals affected with PITRM1-related conditions. An algorithm developed to predict the effect of missense changes on protein structure and function outputs the following: PolyPhen-2: "Benign". The arginine amino acid residue is found in multiple mammalian species, which suggests that this missense change does not adversely affect protein function. In summary, the available evidence is currently insufficient to determine the role of this variant in disease. Therefore, it has been classified as a Variant of Uncertain Significance.